The following is an entry in ClinVar:

NC_000016.9:g.(?_14693741)_(14700403_?)del

Gene: PARN (poly(A)-specific ribonuclease; minus strand). Cytogenetic location: 16p13.12.
Variant type: Deletion.
Identifiers: ClinVar variation 3243541 (VCV003243541.1).

ClinVar aggregate classification (germline): Pathogenic (1 of 4 stars; one submission).

Conditions:
Dyskeratosis congenita, autosomal recessive 6 (DKCB6). Identifiers: MedGen C4225356, MONDO:0014600, OMIM 616353.
Pulmonary fibrosis and/or bone marrow failure, Telomere-related, 4. Also called: PULMONARY FIBROSIS AND/OR BONE MARROW FAILURE SYNDROME, TELOMERE-RELATED, 4. Identifiers: Orphanet 2032, MedGen C4225347, MONDO:0014612, OMIM 616371.

Submission:

Labcorp Genetics (formerly Invitae), Labcorp
Classification: Pathogenic for Dyskeratosis congenita, autosomal recessive 6; Pulmonary fibrosis and/or bone marrow failure, Telomere-related, 4. Last evaluated: 2022-11-27. Review status: criteria provided, single submitter. Criteria: Invitae Variant Classification Sherloc (09022015). Collection method: clinical testing. Allele origin: unknown.
Comment: This variant has not been reported in the literature in individuals affected with PARN-related conditions. For these reasons, this variant has been classified as Pathogenic. This variant is a gross deletion of the genomic region encompassing exon(s) 10-12 of the PARN gene. This deletion is out-of-frame, and is expected to create a premature termination codon and result in an absent or disrupted protein product. Loss-of-function variants in PARN are known to be pathogenic (PMID: 9736620, 25848748, 26810774).

Literature cited by the submitters: PubMed 9736620; PubMed 25848748; PubMed 26810774.